The following is an entry in ClinVar:

ClinVar aggregate classification (germline): Uncertain significance (1 of 4 stars; one submission).

Submission:

GeneDx
Classification: Uncertain significance. Last evaluated: 2025-01-30. Review status: criteria provided, single submitter. Criteria: GeneDx Variant Classification Process June 2021. Collection method: clinical testing. Allele origin: germline. Affected: yes.
Comment: Not observed at significant frequency in large population cohorts (gnomAD); Functional studies suggest this variant does not impair fatty acylation, although additional studies may be necessary to confirm this result (PMID: 30127002); In silico analysis supports that this missense variant has a deleterious effect on protein structure/function; This variant is associated with the following publications: (PMID: 30127002)

NM_001282116.2(RFX3):c.1292G>C (p.Cys431Ser)

Gene: RFX3 (regulatory factor X3; minus strand). Cytogenetic location: 9p24.2.
Variant type: single nucleotide variant.
Coding change: c.1292G>C on transcript NM_001282116.2 (MANE Select); coding-DNA position 1292, G replaced by C.
Protein change: p.Cys431Ser; replaces cysteine 431 with serine.
Molecular consequence: missense variant.
Genome position (GRCh38, 1-based): chr9:3,270,436, C>G on the plus strand (G>C on the coding strand, the complement: RFX3 is on the minus strand). VCF-style: chr9-3270436-C-G. GRCh37 (hg19) VCF-style: chr9-3270436-C-G.
Other names: c.1292G>C, p.Cys431Ser (NM_001377999.1, NM_002919.4, NM_134428.3); short protein forms C431S.
Identifiers: ClinVar variation 4072745 (VCV004072745.1).
Genomic context (GRCh38, chr9:3,270,436, plus strand): 5'-ATAGGTCTAAGGACGTCGGGGATGAGAATCTCCACCAAAGCCTGGTACATCCCATGGTCA[C>G]AGTTACACATCCATTTCAGGATAGACTCATGTTTGCACAGAGTTATCAGCTTTGCTTTCG-3'
Protein context (NP_001269045.1, residues 421-441): HESILKWMCN[Cys431Ser]DHGMYQALVE